The following is an entry in ClinVar:

ClinVar aggregate classification (germline): Pathogenic (1 of 4 stars; one submission).

Conditions:
Autosomal recessive severe congenital neutropenia due to G6PC3 deficiency. Also called: NEUTROPENIA, SEVERE CONGENITAL, 4, AUTOSOMAL RECESSIVE; G6PC3 Deficiency. Identifiers: Orphanet 331176, MedGen C2751630, MONDO:0012930, OMIM 612541.

gnomAD v4.1: 1 of 1,613,838 alleles (0.000062%); highest among the groups gnomAD compares: Non-Finnish European, 0.000085%; no homozygotes.

Submission:

Labcorp Genetics (formerly Invitae), Labcorp
Classification: Pathogenic for Autosomal recessive severe congenital neutropenia due to G6PC3 deficiency. Last evaluated: 2025-12-03. Review status: criteria provided, single submitter. Criteria: Invitae Variant Classification Sherloc (09022015). Collection method: clinical testing. Allele origin: germline.
Comment: This sequence change creates a premature translational stop signal (p.Gln99*) in the G6PC3 gene. It is expected to result in an absent or disrupted protein product. Loss-of-function variants in G6PC3 are known to be pathogenic (PMID: 19118303, 25491320). This variant is not present in population databases (gnomAD no frequency). This premature translational stop signal has been observed in individual(s) with severe congenital neutropenia (PMID: 30386760, 34305938). Algorithms developed to predict the effect of sequence changes on RNA splicing suggest that this variant may disrupt the consensus splice site. For these reasons, this variant has been classified as Pathogenic.

Literature cited by the submitters: PubMed 19118303; PubMed 25491320; PubMed 30386760; PubMed 34305938.

NM_138387.4(G6PC3):c.295C>T (p.Gln99Ter)

Gene: G6PC3 (glucose-6-phosphatase catalytic subunit 3; plus strand). Cytogenetic location: 17q21.31.
Variant type: single nucleotide variant.
Coding change: c.295C>T on transcript NM_138387.4 (MANE Select); coding-DNA position 295, C replaced by T.
Protein change: p.Gln99Ter; replaces glutamine 99 with a stop codon.
Molecular consequence: nonsense. On other transcripts: 5 prime UTR variant (4).
Genome position (GRCh38, 1-based): chr17:44,074,236, C>T. VCF-style: chr17-44074236-C-T. GRCh37 (hg19) VCF-style: chr17-42151604-C-T.
Other names: c.295C>T, p.Gln99Ter (NM_001319945.2); c.-51C>T (NM_001384165.1, NM_001384166.1, NM_001384167.1 and 1 more transcripts); short protein forms Q99*.
Identifiers: ClinVar variation 4737662 (VCV004737662.1).
Genomic context (GRCh38, chr17:44,074,236, plus strand): 5'-AGGCCCTTTTGGTGGGTCCATGAGTCTGGTTACTACAGCCAGGCTCCAGCCCAGGTTCAC[C>T]AGTTCCCCTCTTCTTGTGAGACTGGTCCAGGTGGGAAGCCTCAAACATTCTCCCTTTCCC-3'